The following is an entry in ClinVar:

ClinVar aggregate classification (germline): Likely pathogenic (1 of 4 stars; one submission).

Conditions:
Joubert syndrome. Also called: CEREBELLOPARENCHYMAL DISORDER IV; JOUBERT-BOLTSHAUSER SYNDROME; Familial aplasia of the vermis. Identifiers: Orphanet 475, MedGen C5979921, MONDO:0018772.
Meckel-Gruber syndrome. Also called: DYSENCEPHALIA SPLANCHNOCYSTICA; GRUBER SYNDROME; Dysencephalia splachnocystica. Identifiers: Orphanet 564, MedGen C0265215, MONDO:0018921.

Submission:

Labcorp Genetics (formerly Invitae), Labcorp
Classification: Likely pathogenic for Joubert syndrome; Meckel-Gruber syndrome. Last evaluated: 2020-01-14. Review status: criteria provided, single submitter. Criteria: Invitae Variant Classification Sherloc (09022015). Collection method: clinical testing. Allele origin: unknown.
Comment: In summary, the currently available evidence indicates that the variant is pathogenic, but additional data are needed to prove that conclusively. Therefore, this variant has been classified as Likely Pathogenic. Loss-of-function variants in RPGRIP1L are known to be pathogenic (PMID: 17558409). This variant has not been reported in the literature in individuals with RPGRIP1L-related conditions. This variant results in the deletion of 18-19 and part of exon 20 (c.2684-911_3028del) of the RPGRIP1L gene. It is expected to disrupt RNA splicing and likely results in an absent or disrupted protein product.

Literature cited by the submitters: PubMed 17558409.

NC_000016.9:g.(?_53672254)_(53676298_?)del

Gene: RPGRIP1L (RPGRIP1 like; minus strand). Cytogenetic location: 16q12.2.
Variant type: Deletion.
Identifiers: ClinVar variation 3243373 (VCV003243373.1).